The following is an entry in ClinVar:

ClinVar aggregate classification (germline): Benign (3 of 4 stars; one submission).

Conditions:
Breast-ovarian cancer, familial, susceptibility to, 2 (BROVCA2). Also called: BRCA2 Hereditary Breast and Ovarian Cancer. Identifiers: Orphanet 145, MedGen C2675520, MONDO:0012933, OMIM 612555. Disease mechanism: loss of function.

Allele frequency attached by ClinVar (database versions not stated): gnomAD 0.03641; TOPMed 0.04161; 1000 Genomes Project 0.07348; 1000 Genomes Project 30x 0.07355.
gnomAD v4.1: 6,167 of 152,306 alleles (4%); highest among the groups gnomAD compares: South Asian, 11%; 213 homozygotes.

Submission:

Evidence-based Network for the Interpretation of Germline Mutant Alleles (ENIGMA)
Classification: Benign for Breast-ovarian cancer, familial 2. Last evaluated: 2015-01-12. Review status: reviewed by expert panel. Criteria: ENIGMA BRCA1/2 Classification Criteria (2015). Collection method: curation. Allele origin: germline.
Comment: Class 1 not pathogenic based on frequency >1% in an outbred sampleset. Frequency 0.1049 (Asian), 0.01423 (African), 0.03694 (European), derived from 1000 genomes (2012-04-30).

NM_000059.4(BRCA2):c.9257-3062C>T

Gene: BRCA2 (BRCA2 DNA repair associated; plus strand). Cytogenetic location: 13q13.1.
Variant type: single nucleotide variant.
Coding change: c.9257-3062C>T on transcript NM_000059.4 (MANE Select); 3062 bases into the intron before coding-DNA position 9257, C replaced by T.
Molecular consequence: intron variant.
Genome position (GRCh38, 1-based): chr13:32,391,627, C>T. VCF-style: chr13-32391627-C-T. GRCh37 (hg19) VCF-style: chr13-32965764-C-T.
Other names: IVS 24-3062C>T.
Identifiers: ClinVar variation 209894 (VCV000209894.1), dbSNP rs11571809, ClinGen allele CA276862.